The following is an entry in ClinVar:

ClinVar aggregate classification (germline): Uncertain significance. Review status: criteria provided, multiple submitters, no conflicts (2 of 4 stars). 2 submissions from 2 submitters: Uncertain significance (2). Last evaluated 2025-09-22.

Conditions:
Inborn genetic diseases. Identifiers: MedGen C0950123, MeSH D030342.
Mitochondrial trifunctional protein deficiency. Identifiers: Orphanet 746, MedGen C1969443, MONDO:0012172.
Long chain 3-hydroxyacyl-CoA dehydrogenase deficiency. Also called: Deficiency of long-chain 3-hydroxyacyl-coenzyme A dehydrogenase; LCHAD Deficiency. Identifiers: Orphanet 5, MedGen C3711645, MONDO:0012173, OMIM 609016.

Allele frequency attached by ClinVar (database versions not stated): gnomAD 0.00001; TOPMed 0.00002.
gnomAD v4.1: 2 of 1,602,198 alleles (0.00012%); highest among the groups gnomAD compares: African/African-American, 0.0027%; no homozygotes.

Submissions (2):

Ambry Genetics
Classification: Uncertain significance for Inborn genetic diseases. Last evaluated: 2025-09-22. Review status: criteria provided, single submitter. Criteria: Ambry Variant Classification Scheme 2023. Collection method: clinical testing. Allele origin: germline.

Labcorp Genetics (formerly Invitae), Labcorp
Classification: Uncertain significance for Mitochondrial trifunctional protein deficiency; Long chain 3-hydroxyacyl-CoA dehydrogenase deficiency. Last evaluated: 2021-11-30. Review status: criteria provided, single submitter. Criteria: Invitae Variant Classification Sherloc (09022015). Collection method: clinical testing. Allele origin: germline.
Comment: This sequence change replaces lysine, which is basic and polar, with asparagine, which is neutral and polar, at codon 163 of the HADHA protein (p.Lys163Asn). This variant is not present in population databases (gnomAD no frequency). This variant has not been reported in the literature in individuals affected with HADHA-related conditions. Advanced modeling of protein sequence and biophysical properties (such as structural, functional, and spatial information, amino acid conservation, physicochemical variation, residue mobility, and thermodynamic stability) performed at Invitae indicates that this missense variant is not expected to disrupt HADHA protein function. In summary, the available evidence is currently insufficient to determine the role of this variant in disease. Therefore, it has been classified as a Variant of Uncertain Significance.

NM_000182.5(HADHA):c.489A>T (p.Lys163Asn)

Gene: HADHA (hydroxyacyl-CoA dehydrogenase trifunctional multienzyme complex subunit alpha; minus strand). Cytogenetic location: 2p23.3.
Variant type: single nucleotide variant.
Coding change: c.489A>T on transcript NM_000182.5 (MANE Select); coding-DNA position 489, A replaced by T.
Protein change: p.Lys163Asn; replaces lysine 163 with asparagine.
Molecular consequence: missense variant.
Genome position (GRCh38, 1-based): chr2:26,232,244, T>A on the plus strand (A>T on the coding strand, the complement: HADHA is on the minus strand). VCF-style: chr2-26232244-T-A. GRCh37 (hg19) VCF-style: chr2-26455112-T-A.
Other names: c.489A>T (NM_000182.4); short protein forms K163N.
Identifiers: ClinVar variation 1363245 (VCV001363245.4), dbSNP rs1347586924, ClinGen allele CA346093276.
Genomic context (GRCh38, chr2:26,232,244, plus strand): 5'-TCCTGCTCCTGGTAAGGCCCCCAGCAAAACTTCAGGGGTACCTAATACTGTTTTTCTGTC[T>A]TTTGTTGCTATTCTGTATTGGCATGAAATGGCAACCTTTGAACAAATGAAAGAAAATTAG-3'
Protein context (NP_000173.2, residues 153-173): AISCQYRIAT[Lys163Asn]DRKTVLGTPE